The following is an entry in ClinVar:

NM_006904.7(PRKDC):c.6265A>G (p.Asn2089Asp)

Gene: PRKDC (protein kinase, DNA-activated, catalytic subunit; minus strand). Cytogenetic location: 8q11.21.
Variant type: single nucleotide variant.
Coding change: c.6265A>G on transcript NM_006904.7 (MANE Select); coding-DNA position 6265, A replaced by G.
Protein change: p.Asn2089Asp; replaces asparagine 2089 with aspartic acid.
Molecular consequence: missense variant.
Genome position (GRCh38, 1-based): chr8:47,858,929, T>C on the plus strand (A>G on the coding strand, the complement: PRKDC is on the minus strand). VCF-style: chr8-47858929-T-C. GRCh37 (hg19) VCF-style: chr8-48771490-T-C.
Other names: c.6265A>G, p.Asn2089Asp (NM_001081640.2); short protein forms N2089D.
Identifiers: ClinVar variation 1752510 (VCV001752510.2), dbSNP rs778692758, ClinGen allele CA4740406.

ClinVar aggregate classification (germline): Uncertain significance (1 of 4 stars; one submission).

Allele frequency attached by ClinVar (database versions not stated): ExAC 0.00001; gnomAD exomes 0.00001.
gnomAD v4.1: 6 of 1,613,780 alleles (0.00037%); highest among the groups gnomAD compares: South Asian, 0.0055%; no homozygotes.

Submission:

Ambry Genetics
Classification: Uncertain significance. Last evaluated: 2021-06-28. Review status: criteria provided, single submitter. Criteria: Ambry Variant Classification Scheme 2023. Collection method: clinical testing. Allele origin: germline.
Comment: The p.N2089D variant (also known as c.6265A>G), located in coding exon 47 of the PRKDC gene, results from an A to G substitution at nucleotide position 6265. The asparagine at codon 2089 is replaced by aspartic acid, an amino acid with highly similar properties. This amino acid position is conserved. In addition, this alteration is predicted to be tolerated by in silico analysis. Since supporting evidence is limited at this time, the clinical significance of this alteration remains unclear.